The following is an entry in ClinVar:

ClinVar aggregate classification (germline): Conflicting classifications of pathogenicity. Review status: criteria provided, conflicting classifications (1 of 4 stars). 2 submissions from 2 submitters: Pathogenic (1); Uncertain significance (1). Last evaluated 2026-07-01.

Conditions:
Glycogen storage disease, type II (IOPD). Also called: Pompe Disease; CARDIOMEGALIA GLYCOGENICA DIFFUSA; GLYCOGENOSIS, GENERALIZED, CARDIAC FORM; GSD II; POMPE DISEASE, INFANTILE-ONSET; GLYCOGEN STORAGE DISEASE II, INFANTILE-ONSET. Identifiers: Orphanet 365, MedGen C0017921, MONDO:0009290, OMIM 232300.

Submissions (2):

Genomenon, Inc
Classification: Pathogenic for Glycogen storage disease, type II. Last evaluated: 2026-07-01. Review status: criteria provided, single submitter. Criteria: Genomenon Sequence Variant Interpretation Standards - Updated. Collection method: curation. Allele origin: germline. Affected: yes.
Comment: GAA c.1552-14_1552-1del is a deletion that affects the acceptor splice site of intron 10. It is predicted to affect mRNA splicing, leading to a deleterious effect on the GAA protein. This variant has been observed in at least one proband with a GAA-related disorder (PMID:37542277). It is absent or not present at a significant frequency in gnomAD. In conclusion, we classify GAA c.1552-14_1552-1del as a pathogenic variant.

Labcorp Genetics (formerly Invitae), Labcorp
Classification: Uncertain significance for Glycogen storage disease, type II. Last evaluated: 2018-04-06. Review status: criteria provided, single submitter. Criteria: Invitae Variant Classification Sherloc (09022015). Collection method: clinical testing. Allele origin: germline.
Comment: This sequence change falls in intron 10 of the GAA gene. It does not directly change the encoded amino acid sequence of the GAA protein, but it affects a nucleotide within the consensus splice site of the intron. In summary, the available evidence is currently insufficient to determine the role of this variant in disease. Therefore, it has been classified as a Variant of Uncertain Significance. Nucleotide substitutions within the consensus splice site are a relatively common cause of aberrant splicing (PMID: 17576681, 9536098). Although this variant deletes part of the splice acceptor consensus sequence, it is replaced by the same nucleotide sequence in the consensus splice site. Algorithms developed to predict the effect of sequence changes on RNA splicing suggest that this variant may disrupt the consensus splice site, but this prediction has not been confirmed by published transcriptional studies. This variant has not been reported in the literature in individuals with GAA-related disease. This variant is not present in population databases (ExAC no frequency).

Literature cited by the submitters: PubMed 37542277 (cited by Genomenon, Inc); PubMed 17576681 (cited by Labcorp Genetics (formerly Invitae), Labcorp); PubMed 9536098 (cited by Labcorp Genetics (formerly Invitae), Labcorp).

NM_000152.5(GAA):c.1552-14_1552-1del

Gene: GAA (alpha glucosidase; plus strand). Cytogenetic location: 17q25.3.
Variant type: Deletion.
Coding change: c.1552-14_1552-1del on transcript NM_000152.5 (MANE Select); 14 bases into the intron before coding-DNA position 1552 through the canonical splice acceptor site of the intron before coding-DNA position 1552, 14 bases deleted (CGCTTCTCTTGCAG).
Molecular consequence: splice acceptor variant.
Genome position (GRCh38, 1-based): chr17:80,110,927-80,110,940, CGCTTCTCTTGCAG deleted; deleting any 14 consecutive bases within chr17:80,110,923-80,110,940 gives the same sequence; the c. name uses the placement nearest the transcript's 3' end. VCF-style (leftmost placement, unchanged base first): chr17-80110922-AGCAGCGCTTCTCTT-A. GRCh37 (hg19) VCF-style: chr17-78084721-AGCAGCGCTTCTCTT-A.
Other names: c.1552-14_1552-1delCGCTTCTCTTGCAG (NM_000152.3); c.1552-14_1552-1del (LRG_673t1, NM_001079803.3, NM_001079804.3).
Identifiers: ClinVar variation 578596 (VCV000578596.8), dbSNP rs1567833173, ClinGen allele CA891844474.